The following is an entry in ClinVar:

ClinVar aggregate classification (germline): Uncertain significance. Review status: criteria provided, multiple submitters, no conflicts (2 of 4 stars). 4 submissions from 4 submitters: Uncertain significance (4). Last evaluated 2025-02-20.

Allele frequency attached by ClinVar (database versions not stated): gnomAD 0.00001; ExAC 0.00002; TOPMed 0.00002.
gnomAD v4.1: 18 of 1,614,048 alleles (0.0011%); highest among the groups gnomAD compares: Middle Eastern, 0.016%; no homozygotes.

Submissions (4):

Ambry Genetics
Classification: Uncertain significance. Last evaluated: 2025-02-20. Review status: criteria provided, single submitter. Criteria: Ambry Variant Classification Scheme 2023. Collection method: clinical testing. Allele origin: germline.

GeneDx
Classification: Uncertain significance. Last evaluated: 2023-08-11. Review status: criteria provided, single submitter. Criteria: GeneDx Variant Classification Process June 2021. Collection method: clinical testing. Allele origin: germline. Affected: yes.
Comment: In silico analysis supports that this missense variant does not alter protein structure/function; Has not been previously published as pathogenic or benign to our knowledge

Labcorp Genetics (formerly Invitae), Labcorp
Classification: Uncertain significance. Last evaluated: 2022-08-16. Review status: criteria provided, single submitter. Criteria: Invitae Variant Classification Sherloc (09022015). Collection method: clinical testing. Allele origin: germline.
Comment: In summary, the available evidence is currently insufficient to determine the role of this variant in disease. Therefore, it has been classified as a Variant of Uncertain Significance. Algorithms developed to predict the effect of missense changes on protein structure and function are either unavailable or do not agree on the potential impact of this missense change (SIFT: "Deleterious"; PolyPhen-2: "Possibly Damaging"; Align-GVGD: "Class C0"). ClinVar contains an entry for this variant (Variation ID: 667251). This variant has not been reported in the literature in individuals affected with KARS-related conditions. This variant is present in population databases (rs768044754, gnomAD 0.01%). This sequence change replaces threonine, which is neutral and polar, with methionine, which is neutral and non-polar, at codon 439 of the KARS protein (p.Thr439Met).

Laboratory for Molecular Medicine, Mass General Brigham Personalized Medicine
Classification: Uncertain significance. Last evaluated: 2020-10-23. Review status: criteria provided, single submitter. Criteria: LMM Criteria. Collection method: clinical testing. Allele origin: germline. Observed: 2 variant alleles.
Comment: The p.Thr439Met variant in KARS has not been previously reported in individuals with hearing loss, but has been identified in 0.01% (5/34592) of Latino chromosomes by gnomAD. Computational prediction tools and conservation analyses do not provide strong support for or against an impact to the protein. In summary, the clinical significance of the p.Thr439Met variant is uncertain. ACMG/AMP Criteria applied: PM2_Supporting.

NM_005548.3(KARS1):c.1232C>T (p.Thr411Met)

Gene: KARS1 (lysyl-tRNA synthetase 1; minus strand). Cytogenetic location: 16q23.1.
Variant type: single nucleotide variant.
Coding change: c.1232C>T on transcript NM_005548.3 (MANE Select); coding-DNA position 1232, C replaced by T.
Protein change: p.Thr411Met; replaces threonine 411 with methionine.
Molecular consequence: missense variant.
Genome position (GRCh38, 1-based): chr16:75,631,436, G>A on the plus strand (C>T on the coding strand, the complement: KARS1 is on the minus strand). VCF-style: chr16-75631436-G-A. GRCh37 (hg19) VCF-style: chr16-75665334-G-A.
Other names: c.1316C>T, p.Thr439Met (NM_001130089.2); c.764C>T, p.Thr255Met (NM_001378148.1); short protein forms T411M, T439M, T255M.
Identifiers: ClinVar variation 667251 (VCV000667251.14), dbSNP rs768044754, ClinGen allele CA8177358.